The following is an entry in ClinVar:

NM_024529.5(CDC73):c.401A>G (p.Glu134Gly)

Gene: CDC73 (cell division cycle 73; plus strand). Cytogenetic location: 1q31.2.
Variant type: single nucleotide variant.
Coding change: c.401A>G on transcript NM_024529.5 (MANE Select); coding-DNA position 401, A replaced by G.
Protein change: p.Glu134Gly; replaces glutamic acid 134 with glycine.
Molecular consequence: missense variant.
Genome position (GRCh38, 1-based): chr1:193,135,567, A>G. VCF-style: chr1-193135567-A-G. GRCh37 (hg19) VCF-style: chr1-193104697-A-G.
Other names: short protein forms E134G.
Identifiers: ClinVar variation 2450584 (VCV002450584.3), dbSNP rs2527312358, ClinGen allele CA343960717.
Genomic context (GRCh38, chr1:193,135,567, plus strand): 5'-CACATTTATTTACTTCTCTTTCTTTTATAGTCAAACGAGCTGCAGATGAAGTTTTAGCAG[A>G]AGCAAAGAAACCACGAATTGAGGTAAAGAAACTGTATTTTAAACAATTTTATTTATATTG-3'
Protein context (NP_078805.3, residues 124-144): VKRAADEVLA[Glu134Gly]AKKPRIEDEE

ClinVar aggregate classification (germline): Uncertain significance. Review status: criteria provided, multiple submitters, no conflicts (2 of 4 stars). 2 submissions from 2 submitters: Uncertain significance (2). Last evaluated 2026-01-26.

Conditions:
Parathyroid carcinoma (PRTC). Also called: CDC73-Related Parathyroid Carcinoma; Parathyroid gland carcinoma. Identifiers: Orphanet 143, MedGen C0687150, MONDO:0012004, OMIM 608266, HP:0006780.
Hereditary cancer-predisposing syndrome. Also called: Neoplastic Syndromes, Hereditary; Tumor predisposition; Hereditary neoplastic syndrome; Hereditary Cancer Syndrome. Identifiers: Orphanet 140162, MedGen C0027672, MeSH D009386, MONDO:0015356.

Allele frequency attached by ClinVar (database versions not stated): gnomAD exomes below 0.00001.
gnomAD v4.1: 1 of 1,613,250 alleles (0.000062%); highest among the groups gnomAD compares: Non-Finnish European, 0.000085%; no homozygotes.

Submissions (2):

Labcorp Genetics (formerly Invitae), Labcorp
Classification: Uncertain significance for Parathyroid carcinoma. Last evaluated: 2026-01-26. Review status: criteria provided, single submitter. Criteria: Invitae Variant Classification Sherloc (09022015). Collection method: clinical testing. Allele origin: germline.
Comment: This sequence change replaces glutamic acid, which is acidic and polar, with glycine, which is neutral and non-polar, at codon 134 of the CDC73 protein (p.Glu134Gly). This variant is not present in population databases (gnomAD no frequency). This variant has not been reported in the literature in individuals affected with CDC73-related conditions. ClinVar contains an entry for this variant (Variation ID: 2450584). Invitae Evidence Modeling of protein sequence and biophysical properties (such as structural, functional, and spatial information, amino acid conservation, physicochemical variation, residue mobility, and thermodynamic stability) indicates that this missense variant is not expected to disrupt CDC73 protein function with a negative predictive value of 80%. In summary, the available evidence is currently insufficient to determine the role of this variant in disease. Therefore, it has been classified as a Variant of Uncertain Significance.

Ambry Genetics
Classification: Uncertain significance for Hereditary cancer-predisposing syndrome. Last evaluated: 2023-01-18. Review status: criteria provided, single submitter. Criteria: Ambry Variant Classification Scheme 2023. Collection method: clinical testing. Allele origin: germline.
Comment: The p.E134G variant (also known as c.401A>G), located in coding exon 5 of the CDC73 gene, results from an A to G substitution at nucleotide position 401. The glutamic acid at codon 134 is replaced by glycine, an amino acid with similar properties. This amino acid position is conserved. In addition, the in silico prediction for this alteration is inconclusive. Since supporting evidence is limited at this time, the clinical significance of this alteration remains unclear.